The following is an entry in ClinVar:

NM_153026.3(PRICKLE1):c.2195_2203del (p.Gly732_Tyr734del)

Gene: PRICKLE1 (prickle planar cell polarity protein 1; minus strand). Cytogenetic location: 12q12.
Variant type: Deletion.
Coding change: c.2195_2203del on transcript NM_153026.3 (MANE Select); coding-DNA positions 2195 to 2203, 9 bases deleted (GACAGTACG; older notation c.2195_2203delGACAGTACG).
Protein change: p.Gly732_Tyr734del.
Molecular consequence: inframe deletion.
Genome position (GRCh38, 1-based): chr12:42,460,102-42,460,110, CGTACTGTC deleted on the plus strand (GACAGTACG on the coding strand, the reverse complement: PRICKLE1 is on the minus strand); deleting any 9 consecutive bases within chr12:42,460,102-42,460,114 gives the same sequence; the c. name uses the placement nearest the transcript's 3' end. VCF-style (leftmost placement, unchanged base first): chr12-42460101-GCGTACTGTC-G. GRCh37 (hg19) VCF-style: chr12-42853903-GCGTACTGTC-G.
Other names: c.2195_2203del, p.Gly732_Tyr734del (NM_001144881.2, NM_001144882.2, NM_001144883.2).
Identifiers: ClinVar variation 1519882 (VCV001519882.8), dbSNP rs1333451337, ClinGen allele CA604811306.
Genomic context (GRCh38, chr12:42,460,101, plus strand): 5'-TAGAGTCCCAGAAACCGATTCATTCCTGGGTTCTGCAGGCCATAATCGGAAGTGGCATGG[GCGTACTGTC>G]CGTAGAGATCAGCATTCTGGATGTATGCTTGGATCTCCCGGGCACTTTTATTCTGTATAA-3'

ClinVar aggregate classification (germline): Uncertain significance (1 of 4 stars; one submission).

Conditions:
Epilepsy, progressive myoclonic, 1B. Also called: PME. Identifiers: Orphanet 308, MedGen C2676254, MONDO:0012904, OMIM 612437.

Submission:

Labcorp Genetics (formerly Invitae), Labcorp
Classification: Uncertain significance for Epilepsy, progressive myoclonic, 1B. Last evaluated: 2021-03-25. Review status: criteria provided, single submitter. Criteria: Invitae Variant Classification Sherloc (09022015). Collection method: clinical testing. Allele origin: germline.
Comment: In summary, the available evidence is currently insufficient to determine the role of this variant in disease. Therefore, it has been classified as a Variant of Uncertain Significance. Experimental studies and prediction algorithms are not available or were not evaluated, and the functional significance of this variant is currently unknown. This variant has not been reported in the literature in individuals with PRICKLE1-related conditions. This variant is not present in population databases (ExAC no frequency). This variant, c.2195_2203del, results in the deletion of 3 amino acid(s) of the PRICKLE1 protein (p.Gly732_Tyr734del), but otherwise preserves the integrity of the reading frame.